The following is an entry in ClinVar:

NM_024675.4(PALB2):c.1350_1355del (p.450NL[1])

Gene: PALB2 (partner and localizer of BRCA2; minus strand). Cytogenetic location: 16p12.2.
Variant type: Deletion.
Coding change: c.1350_1355del on transcript NM_024675.4 (MANE Select); coding-DNA positions 1350 to 1355, 6 bases deleted (TTTAAA; older notation c.1350_1355delTTTAAA).
Protein change: p.450NL[1].
Molecular consequence: inframe deletion.
Genome position (GRCh38, 1-based): chr16:23,635,191-23,635,196, TTTAAA deleted on the plus strand (TTTAAA on the coding strand, the reverse complement: PALB2 is on the minus strand); deleting any 6 consecutive bases within chr16:23,635,191-23,635,199 gives the same sequence; the c. name uses the placement nearest the transcript's 3' end. VCF-style (leftmost placement, unchanged base first): chr16-23635190-GTTTAAA-G. GRCh37 (hg19) VCF-style: chr16-23646511-GTTTAAA-G.
Other names: c.1350_1355delTTTAAA (NM_024675.3).
Identifiers: ClinVar variation 402292 (VCV000402292.15), dbSNP rs755002948, ClinGen allele CA7963715.

ClinVar aggregate classification (germline): Uncertain significance. Review status: criteria provided, multiple submitters, no conflicts (2 of 4 stars). 2 submissions from 2 submitters: Uncertain significance (2). Last evaluated 2025-12-13.

Conditions:
Hereditary cancer-predisposing syndrome. Also called: Neoplastic Syndromes, Hereditary; Hereditary Cancer Syndrome; Tumor predisposition; Hereditary neoplastic syndrome. Identifiers: Orphanet 140162, MedGen C0027672, MeSH D009386, MONDO:0015356.
Familial cancer of breast. Also called: BREAST CANCER, FAMILIAL; Hereditary breast cancer; hereditary breast carcinoma. Identifiers: Orphanet 227535, MedGen C0346153, MONDO:0016419, OMIM 114480. Disease mechanism: loss of function.

Submissions (2):

Labcorp Genetics (formerly Invitae), Labcorp
Classification: Uncertain significance for Familial cancer of breast. Last evaluated: 2025-12-13. Review status: criteria provided, single submitter. Criteria: Invitae Variant Classification Sherloc (09022015). Collection method: clinical testing. Allele origin: germline.
Comment: This variant, c.1350_1355del, results in the deletion of 2 amino acid(s) of the PALB2 protein (p.Asn452_Leu453del), but otherwise preserves the integrity of the reading frame. This variant is present in population databases (rs755002948, gnomAD 0.008%). This variant has not been reported in the literature in individuals affected with PALB2-related conditions. ClinVar contains an entry for this variant (Variation ID: 402292). Experimental studies and prediction algorithms are not available or were not evaluated, and the functional significance of this variant is currently unknown. In summary, the available evidence is currently insufficient to determine the role of this variant in disease. Therefore, it has been classified as a Variant of Uncertain Significance.

Ambry Genetics
Classification: Uncertain significance for Hereditary cancer-predisposing syndrome. Last evaluated: 2025-06-24. Review status: criteria provided, single submitter. Criteria: Ambry Variant Classification Scheme 2023. Collection method: clinical testing. Allele origin: germline.
Comment: The c.1350_1355delTTTAAA variant (also known as p.N452_L453del) is located in coding exon 4 of the PALB2 gene. This variant results from an in-frame TTTAAA deletion at nucleotide positions 1350 to 1355. This results in the in-frame deletion of two amino acids (NL) at codons 452 to 453. This amino acid region is not well conserved in available vertebrate species. In addition, this variant is predicted to be deleterious by in silico analysis (Choi Y et al. PLoS ONE. 2012; 7(10):e46688). Based on the available evidence, the clinical significance of this variant remains unclear.